The following is an entry in ClinVar:

ClinVar aggregate classification (germline): Uncertain significance. Review status: criteria provided, multiple submitters, no conflicts (2 of 4 stars). 2 submissions from 2 submitters: Uncertain significance (2). Last evaluated 2023-02-28.

Allele frequency attached by ClinVar (database versions not stated): ExAC 0.00001; gnomAD 0.00001; gnomAD exomes 0.00001; TOPMed 0.00001.
gnomAD v4.1: 13 of 1,613,598 alleles (0.00081%); highest among the groups gnomAD compares: East Asian, 0.0022%; no homozygotes.

Submissions (2):

Ambry Genetics
Classification: Uncertain significance. Last evaluated: 2023-02-28. Review status: criteria provided, single submitter. Criteria: Ambry Variant Classification Scheme 2023. Collection method: clinical testing. Allele origin: germline.

Labcorp Genetics (formerly Invitae), Labcorp
Classification: Uncertain significance. Last evaluated: 2022-05-21. Review status: criteria provided, single submitter. Criteria: Invitae Variant Classification Sherloc (09022015). Collection method: clinical testing. Allele origin: germline.
Comment: In summary, the available evidence is currently insufficient to determine the role of this variant in disease. Therefore, it has been classified as a Variant of Uncertain Significance. Algorithms developed to predict the effect of missense changes on protein structure and function (SIFT, PolyPhen-2, Align-GVGD) all suggest that this variant is likely to be tolerated. This variant has not been reported in the literature in individuals affected with POLR1B-related conditions. This variant is present in population databases (rs764500712, gnomAD 0.002%). This sequence change replaces methionine, which is neutral and non-polar, with threonine, which is neutral and polar, at codon 273 of the POLR1B protein (p.Met273Thr).

NM_019014.6(POLR1B):c.704T>C (p.Met235Thr)

Gene: POLR1B (RNA polymerase I subunit B; plus strand). Cytogenetic location: 2q14.1.
Variant type: single nucleotide variant.
Coding change: c.704T>C on transcript NM_019014.6 (MANE Select); coding-DNA position 704, T replaced by C.
Protein change: p.Met235Thr; replaces methionine 235 with threonine.
Molecular consequence: missense variant.
Genome position (GRCh38, 1-based): chr2:112,550,944, T>C. VCF-style: chr2-112550944-T-C. GRCh37 (hg19) VCF-style: chr2-113308521-T-C.
Other names: c.704T>C (NM_019014.4); c.536T>C, p.Met179Thr (NM_001137604.3, NM_032212.2); c.818T>C, p.Met273Thr (NM_001282772.2); c.704T>C, p.Met235Thr (NM_001282774.2, NM_001371969.1); c.71T>C, p.Met24Thr (NM_001282776.2, NM_001371971.1); c.287T>C, p.Met96Thr (NM_001282777.2, NM_001282779.2, NM_001371970.1); short protein forms M96T, M235T, M179T, M273T, M24T.
Identifiers: ClinVar variation 1997614 (VCV001997614.6), dbSNP rs764500712, ClinGen allele CA1834911.
Genomic context (GRCh38, chr2:112,550,944, plus strand): 5'-TGAGGGAAGAACATTCCGCTGTCAATATGAACCTCCACTACTTGGAAAATGGCACTGTTA[T>C]GTTGAACTTTATTTACCGAAAAGAACTGTTCTTTCTTCCTTTGGGATTTGCACTTAAGGT-3'
Protein context (NP_061887.2, residues 225-245): NLHYLENGTV[Met235Thr]LNFIYRKELF